The following is an entry in ClinVar:

ClinVar aggregate classification (germline): Uncertain significance. Review status: criteria provided, multiple submitters, no conflicts (2 of 4 stars). 2 submissions from 2 submitters: Uncertain significance (2). Last evaluated 2022-06-13.

Conditions:
Peroxisome biogenesis disorder 2A (Zellweger) (PBD2A). Also called: Cerebrohepatorenal syndrome, variant types. Identifiers: Orphanet 912, MedGen C3550273, MONDO:0008954, OMIM 214110.
Peroxisome biogenesis disorder 2B (PBD2B). Identifiers: Orphanet 44, MedGen C3550234, MONDO:0008736, OMIM 202370.

Allele frequency attached by ClinVar (database versions not stated): ExAC 0.00001; TOPMed 0.00002.

Submissions (2):

Labcorp Genetics (formerly Invitae), Labcorp
Classification: Uncertain significance for Peroxisome biogenesis disorder 2B. Last evaluated: 2022-06-13. Review status: criteria provided, single submitter. Criteria: Invitae Variant Classification Sherloc (09022015). Collection method: clinical testing. Allele origin: germline.
Comment: This sequence change replaces serine, which is neutral and polar, with threonine, which is neutral and polar, at codon 617 of the PEX5 protein (p.Ser617Thr). This variant is not present in population databases (gnomAD no frequency). This variant has not been reported in the literature in individuals affected with PEX5-related conditions. ClinVar contains an entry for this variant (Variation ID: 310432). Algorithms developed to predict the effect of missense changes on protein structure and function (SIFT, PolyPhen-2, Align-GVGD) all suggest that this variant is likely to be tolerated. In summary, the available evidence is currently insufficient to determine the role of this variant in disease. Therefore, it has been classified as a Variant of Uncertain Significance.

Illumina Laboratory Services, Illumina
Classification: Uncertain significance for Peroxisome biogenesis disorder 2A (Zellweger). Last evaluated: 2018-01-12. Review status: criteria provided, single submitter. Criteria: ICSL Variant Classification Criteria 13 December 2019. Collection method: clinical testing. Allele origin: germline.

NM_001351132.2(PEX5):c.1850G>C (p.Ser617Thr)

Gene: PEX5 (peroxisomal biogenesis factor 5; plus strand). Cytogenetic location: 12p13.31.
Variant type: single nucleotide variant.
Coding change: c.1850G>C on transcript NM_001351132.2 (MANE Select); coding-DNA position 1850, G replaced by C.
Protein change: p.Ser617Thr; replaces serine 617 with threonine.
Molecular consequence: missense variant.
Genome position (GRCh38, 1-based): chr12:7,210,153, G>C. VCF-style: chr12-7210153-G-C. GRCh37 (hg19) VCF-style: chr12-7362749-G-C.
Other names: c.1826G>C, p.Ser609Thr (NM_000319.5); c.1895G>C, p.Ser632Thr (NM_001131023.2); c.1739G>C, p.Ser580Thr (NM_001131024.2, NM_001351124.3, NM_001351126.2 and 7 more transcripts); c.1850G>C, p.Ser617Thr (NM_001131025.2, NM_001131026.2, NM_001300789.3 and 4 more transcripts); c.1784G>C, p.Ser595Thr (NM_001351135.3, NM_001351138.2); c.1841G>C, p.Ser614Thr (NM_001351136.2); c.1715G>C, p.Ser572Thr (NM_001351139.2, NM_001351140.2, NM_001374649.2); short protein forms S617T, S609T, S572T, S614T, S632T, S580T, S595T.
Identifiers: ClinVar variation 310432 (VCV000310432.6), dbSNP rs751637149, ClinGen allele CA6426603.